The following is an entry in ClinVar:

ClinVar aggregate classification (germline): Conflicting classifications of pathogenicity. Review status: criteria provided, conflicting classifications (1 of 4 stars). 3 submissions from 3 submitters: Uncertain significance (2); Likely benign (1). Last evaluated 2025-11-13.

Conditions:
Inborn genetic diseases. Identifiers: MedGen C0950123, MeSH D030342.
Diffuse cerebral and cerebellar atrophy - intractable seizures - progressive microcephaly syndrome. Also called: Microcephaly, progressive, with seizures and cerebral and cerebellar atrophy. Identifiers: Orphanet 404437, MedGen C4014239, MONDO:0014335, OMIM 615760.

Allele frequency attached by ClinVar (database versions not stated): gnomAD 0.00001; gnomAD exomes 0.00002 and 0.00001; TOPMed 0.00003; ExAC 0.00002.

Submissions (3):

Ambry Genetics
Classification: Likely benign for Inborn genetic diseases. Last evaluated: 2025-11-13. Review status: criteria provided, single submitter. Criteria: Ambry Variant Classification Scheme 2023. Collection method: clinical testing. Allele origin: germline.

GeneDx
Classification: Uncertain significance. Last evaluated: 2025-05-20. Review status: criteria provided, single submitter. Criteria: GeneDx Variant Classification Process June 2021. Collection method: clinical testing. Allele origin: germline. Affected: yes.
Comment: Not observed at significant frequency in large population cohorts (gnomAD); In silico analysis suggests that this missense variant does not alter protein structure/function; Has not been previously published as pathogenic or benign to our knowledge

Labcorp Genetics (formerly Invitae), Labcorp
Classification: Uncertain significance for Diffuse cerebral and cerebellar atrophy - intractable seizures - progressive microcephaly syndrome. Last evaluated: 2022-06-27. Review status: criteria provided, single submitter. Criteria: Invitae Variant Classification Sherloc (09022015). Collection method: clinical testing. Allele origin: germline.
Comment: In summary, the available evidence is currently insufficient to determine the role of this variant in disease. Therefore, it has been classified as a Variant of Uncertain Significance. Algorithms developed to predict the effect of missense changes on protein structure and function output the following: SIFT: "Tolerated"; PolyPhen-2: "Benign"; Align-GVGD: "Class C0". The glutamine amino acid residue is found in multiple mammalian species, which suggests that this missense change does not adversely affect protein function. ClinVar contains an entry for this variant (Variation ID: 567380). This variant has not been reported in the literature in individuals affected with QARS-related conditions. This variant is present in population databases (rs751676545, gnomAD 0.003%). This sequence change replaces arginine, which is basic and polar, with glutamine, which is neutral and polar, at codon 134 of the QARS protein (p.Arg134Gln).

NM_005051.3(QARS1):c.401G>A (p.Arg134Gln)

Gene: QARS1 (glutaminyl-tRNA synthetase 1; minus strand). Cytogenetic location: 3p21.31.
Variant type: single nucleotide variant.
Coding change: c.401G>A on transcript NM_005051.3 (MANE Select); coding-DNA position 401, G replaced by A.
Protein change: p.Arg134Gln; replaces arginine 134 with glutamine.
Molecular consequence: missense variant. On other transcripts: non-coding transcript variant (1).
Genome position (GRCh38, 1-based): chr3:49,103,681, C>T on the plus strand (G>A on the coding strand, the complement: QARS1 is on the minus strand). VCF-style: chr3-49103681-C-T. GRCh37 (hg19) VCF-style: chr3-49141114-C-T.
Other names: c.401G>A (NM_005051.1); c.368G>A, p.Arg123Gln (NM_001272073.2); short protein forms R134Q, R123Q.
Identifiers: ClinVar variation 567380 (VCV000567380.10), dbSNP rs751676545, ClinGen allele CA2392178.
Genomic context (GRCh38, chr3:49,103,681, plus strand): 5'-CCCTGCTCACCCATCAGCAGCCCCATGTTGAAATGGTAACGTTCCACCAGGAGCTGGGGC[C>T]GGTGCCTGTTAATAGCAGCCTCCACCTGCAGAAAGCCAAACCATGTGGTTCAGGAAAGCC-3'
Protein context (NP_005042.1, residues 124-144): EAVEAAINRH[Arg134Gln]PQLLVERYHF